The following is an entry in ClinVar:

NM_024426.6(WT1):c.497C>G (p.Thr166Ser)

Genes: WT1 (WT1 transcription factor; minus strand), LOC107982234 (WT1/WT1-AS bi-directional promoter region; plus strand). Cytogenetic location: 11p13.
Variant type: single nucleotide variant.
Coding change: c.497C>G on transcript NM_024426.6 (MANE Select); coding-DNA position 497, C replaced by G.
Protein change: p.Thr166Ser; replaces threonine 166 with serine.
Molecular consequence: missense variant. On other transcripts: non-coding transcript variant (2).
Genome position (GRCh38, 1-based): chr11:32,434,864, G>C on the plus strand (C>G on the coding strand, the complement: WT1 is on the minus strand). VCF-style: chr11-32434864-G-C. GRCh37 (hg19) VCF-style: chr11-32456410-G-C.
Other names: c.497C>G, p.Thr166Ser (NM_000378.6, NM_001407044.1, NM_001407045.1 and 6 more transcripts); c.482C>G, p.Thr161Ser (NM_024425.2); c.482C>G (NM_024426.4); short protein forms T166S, T161S.
Identifiers: ClinVar variation 2930426 (VCV002930426.4), dbSNP rs2133102723, ClinGen allele CA379964872.

ClinVar aggregate classification (germline): Uncertain significance. Review status: criteria provided, multiple submitters, no conflicts (2 of 4 stars). 2 submissions from 2 submitters: Uncertain significance (2). Last evaluated 2026-07-01.

Conditions:
Inborn genetic diseases. Identifiers: MedGen C0950123, MeSH D030342.
Drash syndrome (DDS). Also called: NEPHROPATHY, WILMS TUMOR, AND GENITAL ANOMALIES; WILMS TUMOR AND PSEUDO- OR TRUE HERMAPHRODITISM. Identifiers: Orphanet 220, MedGen C0950121, MONDO:0008682, OMIM 194080.
Wilms tumor 1 (WT1). Also called: Wilms tumor, somatic. Identifiers: Orphanet 654, MedGen CN033288, MONDO:0008679, OMIM 194070.
11p partial monosomy syndrome (WAGR). Also called: WAGR Complex; WAGR Spectrum Disorder; CHROMOSOME 11p13 DELETION SYNDROME; WAGR syndrome. Identifiers: Orphanet 893, MedGen C0206115, MONDO:0008681, OMIM 194072.
Frasier syndrome. Identifiers: Orphanet 347, MedGen C0950122, MeSH D052159, MONDO:0007635, OMIM 136680.

Submissions (2):

Ambry Genetics
Classification: Uncertain significance for Inborn genetic diseases. Last evaluated: 2026-07-01. Review status: criteria provided, single submitter. Criteria: Ambry Variant Classification Scheme 2023. Collection method: clinical testing. Allele origin: germline.
Comment: The p.T161S variant (also known as c.482C>G), located in coding exon 1 of the WT1 gene, results from a C to G substitution at nucleotide position 482. The threonine at codon 161 is replaced by serine, an amino acid with similar properties. This amino acid position is conserved. In addition, the in silico prediction for this alteration is inconclusive. Based on the available evidence, the clinical significance of this variant remains unclear.

Labcorp Genetics (formerly Invitae), Labcorp
Classification: Uncertain significance for Wilms tumor 1; Drash syndrome; 11p partial monosomy syndrome; Frasier syndrome. Last evaluated: 2023-02-02. Review status: criteria provided, single submitter. Criteria: Invitae Variant Classification Sherloc (09022015). Collection method: clinical testing. Allele origin: germline.
Comment: This sequence change replaces threonine, which is neutral and polar, with serine, which is neutral and polar, at codon 161 of the WT1 protein (p.Thr161Ser). This variant is not present in population databases (gnomAD no frequency). This variant has not been reported in the literature in individuals affected with WT1-related conditions. Algorithms developed to predict the effect of missense changes on protein structure and function (SIFT, PolyPhen-2, Align-GVGD) all suggest that this variant is likely to be disruptive. In summary, the available evidence is currently insufficient to determine the role of this variant in disease. Therefore, it has been classified as a Variant of Uncertain Significance.